The following is an entry in ClinVar:

ClinVar aggregate classification (germline): Likely pathogenic (1 of 4 stars; one submission).

Conditions:
Mucolipidosis type IV (ML4). Also called: ML IV. Identifiers: Orphanet 578, MedGen C0238286, MONDO:0009653, OMIM 252650.

Submission:

Myriad Genetics, Inc.
Classification: Likely pathogenic for Mucolipidosis type IV. Last evaluated: 2022-05-01. Review status: criteria provided, single submitter. Criteria: Myriad Women's Health Autosomal Recessive and X-Linked Classification Criteria (2021). Collection method: clinical testing. Allele origin: unknown.
Comment: NM_020533.2(MCOLN1):c.117delA(D40Tfs*11) is expected to be pathogenic in the context of mucolipidosis IV. This variant is predicted to lead to an abnormal or absent protein product due to the creation of a premature termination codon in MCOLN1, a gene where loss-of-function variants are known to be pathogenic. Please note: this variant was assessed in the context of healthy population screening.

NM_020533.3(MCOLN1):c.117del (p.Asp40fs)

Gene: MCOLN1 (mucolipin TRP cation channel 1; plus strand). Cytogenetic location: 19p13.2.
Variant type: Deletion.
Coding change: c.117del on transcript NM_020533.3 (MANE Select); coding-DNA position 117, one base deleted (A; older notation c.117delA).
Protein change: p.Asp40fs; shifts the reading frame from aspartic acid 40.
Molecular consequence: frameshift variant.
Genome position (GRCh38, 1-based): chr19:7,525,046, A deleted; the last of 2 consecutive A bases (chr19:7,525,045-7,525,046); deleting either gives the same sequence. VCF-style (leftmost placement, unchanged base first): chr19-7525044-GA-G. GRCh37 (hg19) VCF-style: chr19-7589930-GA-G.
Other names: short protein forms D40fs.
Identifiers: ClinVar variation 1725999 (VCV001725999.3), dbSNP rs2512468178, ClinGen allele CA2580097069.